The following is an entry in ClinVar:

NM_052947.4(ALPK2):c.178A>G (p.Asn60Asp)

Gene: ALPK2 (alpha kinase 2; minus strand). Cytogenetic location: 18q21.32.
Variant type: single nucleotide variant.
Coding change: c.178A>G on transcript NM_052947.4 (MANE Select); coding-DNA position 178, A replaced by G.
Protein change: p.Asn60Asp; replaces asparagine 60 with aspartic acid.
Molecular consequence: missense variant.
Genome position (GRCh38, 1-based): chr18:58,607,371, T>C on the plus strand (A>G on the coding strand, the complement: ALPK2 is on the minus strand). VCF-style: chr18-58607371-T-C. GRCh37 (hg19) VCF-style: chr18-56274603-T-C.
Other names: short protein forms N60D.
Identifiers: ClinVar variation 2625991 (VCV002625991.2), dbSNP rs2518912936, ClinGen allele CA402555961.

ClinVar aggregate classification (germline): Uncertain significance (1 of 4 stars; one submission).

Submission:

Ambry Genetics
Classification: Uncertain significance. Last evaluated: 2023-07-05. Review status: criteria provided, single submitter. Criteria: Ambry Variant Classification Scheme 2023. Collection method: clinical testing. Allele origin: germline.
Comment: The p.N60D variant (also known as c.178A>G), located in coding exon 2 of the ALPK2 gene, results from an A to G substitution at nucleotide position 178. The asparagine at codon 60 is replaced by aspartic acid, an amino acid with highly similar properties. This amino acid position is conserved. In addition, this alteration is predicted to be tolerated by in silico analysis. Since supporting evidence is limited at this time, the clinical significance of this alteration remains unclear.